The following is an entry in ClinVar:

ClinVar aggregate classification (germline): Pathogenic/Likely pathogenic. Review status: criteria provided, multiple submitters, no conflicts (2 of 4 stars). 2 submissions from 2 submitters: Pathogenic (1); Likely pathogenic (1). Last evaluated 2026-03-30.

Conditions:
Hereditary nonpolyposis colorectal neoplasms. Identifiers: MedGen C0009405, MeSH D003123.
Hereditary cancer-predisposing syndrome. Also called: Tumor predisposition; Hereditary Cancer Syndrome; Hereditary neoplastic syndrome; Neoplastic Syndromes, Hereditary. Identifiers: Orphanet 140162, MedGen C0027672, MeSH D009386, MONDO:0015356.

Submissions (2):

Ambry Genetics
Classification: Likely pathogenic for Hereditary cancer-predisposing syndrome. Last evaluated: 2026-03-30. Review status: criteria provided, single submitter. Criteria: Ambry Variant Classification Scheme 2023. Collection method: clinical testing. Allele origin: germline.
Comment: The p.D439G variant (also known as c.1316A>G), located in coding exon 4 of the MSH6 gene, results from an A to G substitution at nucleotide position 1316. The aspartic acid at codon 439 is replaced by glycine, an amino acid with similar properties. This variant is considered to be rare based on population cohorts in the Genome Aggregation Database (gnomAD). This amino acid position is highly conserved in available vertebrate species. In addition, this alteration is predicted to be deleterious by in silico analysis. Based on the majority of available evidence to date, this variant is likely to be pathogenic.

Labcorp Genetics (formerly Invitae), Labcorp
Classification: Pathogenic for Hereditary nonpolyposis colorectal neoplasms. Last evaluated: 2025-12-09. Review status: criteria provided, single submitter. Criteria: Invitae Variant Classification Sherloc (09022015). Collection method: clinical testing. Allele origin: germline.
Comment: This sequence change replaces aspartic acid, which is acidic and polar, with glycine, which is neutral and non-polar, at codon 439 of the MSH6 protein (p.Asp439Gly). This variant is not present in population databases (gnomAD no frequency). This missense change has been observed in individuals with Lynch syndrome and/or constitutional mismatch repair deficiency syndrome (PMID: 30013564; internal data). Invitae Evidence Modeling of clinical and family history, age, sex, and reported ancestry of multiple individuals with this MSH6 variant has been performed. This variant is expected to be pathogenic with a positive predictive value of at least 99%. This is a validated machine learning model that incorporates the clinical features of 1,627,235 individuals referred to our laboratory for MSH6 testing. ClinVar contains an entry for this variant (Variation ID: 185673). Invitae Evidence Modeling of protein sequence and biophysical properties (such as structural, functional, and spatial information, amino acid conservation, physicochemical variation, residue mobility, and thermodynamic stability) has been performed for this missense variant. However, the output from this modeling did not meet the statistical confidence thresholds required to predict the impact of this variant on MSH6 protein function. For these reasons, this variant has been classified as Pathogenic.

Literature cited by the submitters: PubMed 30013564 (cited by Ambry Genetics and Labcorp Genetics (formerly Invitae), Labcorp); PubMed 30740824 (cited by Ambry Genetics); PubMed 31175329 (cited by Ambry Genetics).

NM_000179.3(MSH6):c.1316A>G (p.Asp439Gly)

Gene: MSH6 (mutS homolog 6; plus strand). Cytogenetic location: 2p16.3.
Variant type: single nucleotide variant.
Coding change: c.1316A>G on transcript NM_000179.3 (MANE Select); coding-DNA position 1316, A replaced by G.
Protein change: p.Asp439Gly; replaces aspartic acid 439 with glycine.
Molecular consequence: missense variant.
Genome position (GRCh38, 1-based): chr2:47,799,299, A>G. VCF-style: chr2-47799299-A-G. GRCh37 (hg19) VCF-style: chr2-48026438-A-G.
Other names: c.926A>G, p.Asp309Gly (NM_001281492.2); c.410A>G, p.Asp137Gly (NM_001281493.2, NM_001281494.2); short protein forms D439G, D309G, D137G.
Identifiers: ClinVar variation 185673 (VCV000185673.17), dbSNP rs786202363, ClinGen allele CA008484.